The following is an entry in ClinVar:

NM_016103.4(SAR1B):c.194_197dup (p.Ala67fs)

Gene: SAR1B (secretion associated Ras related GTPase 1B; minus strand). Cytogenetic location: 5q31.1.
Variant type: Duplication.
Coding change: c.194_197dup on transcript NM_016103.4 (MANE Select); coding-DNA positions 194 to 197, 4 bases duplicated (CCAT; older notation c.194_197dupCCAT).
Protein change: p.Ala67fs; shifts the reading frame from alanine 67.
Molecular consequence: frameshift variant.
Genome position (GRCh38, 1-based): chr5:134,612,738-134,612,741, ATGG duplicated on the plus strand (CCAT on the coding strand, the reverse complement: SAR1B is on the minus strand). VCF-style (leftmost placement, unchanged base first): chr5-134612737-A-AATGG. GRCh37 (hg19) VCF-style: chr5-133948427-A-AATGG.
Other names: c.194_197dup, p.Ala67fs (NM_001033503.3); short protein forms A67fs.
Identifiers: ClinVar variation 817510 (VCV000817510.5), dbSNP rs1580648526, ClinGen allele CA915942642.

ClinVar aggregate classification (germline): Pathogenic. Review status: criteria provided, multiple submitters, no conflicts (2 of 4 stars). 2 submissions from 2 submitters: Pathogenic (2). Last evaluated 2025-07-16.

Allele frequency attached by ClinVar (database versions not stated): gnomAD exomes below 0.00001.

Submissions (2):

Labcorp Genetics (formerly Invitae), Labcorp
Classification: Pathogenic. Last evaluated: 2025-07-16. Review status: criteria provided, single submitter. Criteria: Invitae Variant Classification Sherloc (09022015). Collection method: clinical testing. Allele origin: germline.
Comment: This sequence change creates a premature translational stop signal (p.Ala67Hisfs*10) in the SAR1B gene. It is expected to result in an absent or disrupted protein product. Loss-of-function variants in SAR1B are known to be pathogenic (PMID: 12692552, 17945526). This variant is not present in population databases (gnomAD no frequency). This variant has not been reported in the literature in individuals affected with SAR1B-related conditions. ClinVar contains an entry for this variant (Variation ID: 817510). For these reasons, this variant has been classified as Pathogenic.

GeneDx
Classification: Pathogenic. Last evaluated: 2019-03-20. Review status: criteria provided, single submitter. Criteria: GeneDx Variant Classification (06012015). Collection method: clinical testing. Allele origin: germline. Affected: yes.
Comment: The c.194_197dupCCAT variant in the SAR1B gene has not been reported previously as a pathogenic variant nor as a benign variant, to our knowledge. This variant causes a frameshift starting with codon Alanine 67, changes this amino acid to a Histidine residue, and creates a premature Stop codon at position 10 of the new reading frame, denoted p.Ala67HisfsX10. This variant is predicted to cause loss of normal protein function either through protein truncation or nonsense-mediated mRNA decay. The c.194_197dupCCAT variant is not observed in large population cohorts (Lek et al., 2016). We interpret c.194_197dupCCAT as a pathogenic variant.

Literature cited by the submitters: PubMed 12692552 (cited by Labcorp Genetics (formerly Invitae), Labcorp); PubMed 17945526 (cited by Labcorp Genetics (formerly Invitae), Labcorp).